The following is an entry in ClinVar:

NM_014967.5(FAN1):c.2129G>A (p.Arg710Gln)

Genes: FAN1 (FANCD2 and FANCI associated nuclease 1; plus strand), MTMR10 (myotubularin related protein 10; minus strand). Cytogenetic location: 15q13.3.
Variant type: single nucleotide variant.
Coding change: c.2129G>A on transcript NM_014967.5 (MANE Select); coding-DNA position 2129, G replaced by A.
Protein change: p.Arg710Gln; replaces arginine 710 with glutamine.
Molecular consequence: missense variant.
Genome position (GRCh38, 1-based): chr15:30,922,311, G>A. VCF-style: chr15-30922311-G-A. GRCh37 (hg19) VCF-style: chr15-31214514-G-A.
Other names: short protein forms R710Q.
Identifiers: ClinVar variation 3512598 (VCV003512598.2).

ClinVar aggregate classification (germline): Uncertain significance. Review status: criteria provided, multiple submitters, no conflicts (2 of 4 stars). 2 submissions from 2 submitters: Uncertain significance (2). Last evaluated 2024-09-26.

Conditions:
Inborn genetic diseases. Identifiers: MedGen C0950123, MeSH D030342.

gnomAD v4.1: 40 of 1,613,936 alleles (0.0025%); highest among the groups gnomAD compares: African/African-American, 0.008%; no homozygotes.

Submissions (2):

Ambry Genetics
Classification: Uncertain significance for Inborn genetic diseases. Last evaluated: 2024-09-26. Review status: criteria provided, single submitter. Criteria: Ambry Variant Classification Scheme 2023. Collection method: clinical testing. Allele origin: germline.

GeneDx
Classification: Uncertain significance. Last evaluated: 2024-09-19. Review status: criteria provided, single submitter. Criteria: GeneDx Variant Classification Process June 2021. Collection method: clinical testing. Allele origin: germline. Affected: yes.
Comment: In silico analysis supports that this missense variant has a deleterious effect on protein structure/function; Has not been previously published as pathogenic or benign to our knowledge